The following is an entry in ClinVar:

NC_000006.12:g.31970635G>T

Genes: DXO (decapping exoribonuclease; minus strand), SKIC2 (SKI2 subunit of superkiller complex; plus strand). Cytogenetic location: 6p21.33.
Variant type: single nucleotide variant.
Molecular consequence: missense variant (on NM_005510.4). On other transcripts: non-coding transcript variant (4).
Genome position: GRCh38 VCF-style: chr6-31970635-G-T. GRCh37 (hg19) VCF-style: chr6-31938412-G-T.
Other names: c.231C>A, p.His77Gln (NM_001371205.1, NM_001371206.1, NM_001438480.1); c.783C>A, p.His261Gln (NM_001438478.1, NM_001438479.1, NM_005510.4); short protein forms H261Q, H77Q.
Identifiers: ClinVar variation 403444 (VCV000403444.5), dbSNP rs17207867, ClinGen allele CA3730291.
Genomic context (GRCh38, chr6:31,970,635, plus strand): 5'-AGCTCTCGCCCTGCCCACCCCGATCCTGAACCTGTAGAAACTCCTCCATTGGCCAGGGCT[G>T]TGCATCTCCTTGGAGGTCTTGAGCTCCACATAGCAGGTTGGGGGCTGTGTGGATGGGGCT-3'

ClinVar aggregate classification (germline): Benign (1 of 4 stars; one submission).

Allele frequency attached by ClinVar (database versions not stated): ExAC 0.09103; gnomAD 0.10015; TOPMed 0.10660; 1000 Genomes Project 0.11861; ESP Exome Variant Server 0.11137; gnomAD exomes 0.08515 and 0.08972; 1000 Genomes Project 30x 0.11790.
gnomAD v4.1: 140,505 of 1,613,134 alleles (8.7%); highest among the groups gnomAD compares: African/African-American, 14%; 7,112 homozygotes.

Submission:

Laboratory for Molecular Medicine, Mass General Brigham Personalized Medicine
Classification: Benign. Last evaluated: 2016-03-29. Review status: criteria provided, single submitter. Criteria: LMM Criteria. Collection method: clinical testing. Allele origin: germline.
Comment: Variant identified in a genome or exome case(s) and assessed due to predicted null impact of the variant or pathogenic assertions in the literature or databases. Disclaimer: This variant has not undergone full assessment. The following are preliminary notes: MAF